The following is an entry in ClinVar:

NM_001414.4(EIF2B1):c.*378C>T

Genes: EIF2B1 (eukaryotic translation initiation factor 2B subunit alpha; minus strand), LOC126861664 (CDK7 strongly-dependent group 2 enhancer GRCh37_chr12:124105924-124107123; plus strand). Cytogenetic location: 12q24.31.
Variant type: single nucleotide variant.
Coding change: c.*378C>T on transcript NM_001414.4 (MANE Select); 378 bases downstream of the stop codon, C replaced by T.
Molecular consequence: 3 prime UTR variant.
Genome position (GRCh38, 1-based): chr12:123,621,378, G>A on the plus strand (C>T on the coding strand, the complement: EIF2B1 is on the minus strand). VCF-style: chr12-123621378-G-A. GRCh37 (hg19) VCF-style: chr12-124105925-G-A.
Identifiers: ClinVar variation 307523 (VCV000307523.6), dbSNP rs1050448, ClinGen allele CA10636685.

ClinVar aggregate classification (germline): Benign. Review status: criteria provided, multiple submitters, no conflicts (2 of 4 stars). 2 submissions from 2 submitters: Benign (2). Last evaluated 2018-01-12.

Conditions:
Vanishing white matter disease. Also called: CACH syndrome; Childhood ataxia with diffuse central nervous system hypomyelination; Leukoencephalopathy with vanishing white matter; CACH/VWM syndrome; Cree leukoencehalopathy. Identifiers: Orphanet 135, Orphanet 99853, MedGen C1858991, MONDO:0800448.

Allele frequency attached by ClinVar (database versions not stated): 1000 Genomes Project 0.23822; 1000 Genomes Project 30x 0.24407; gnomAD exomes 0.27231; gnomAD 0.28762 and 0.29226; TOPMed 0.29248.
gnomAD v4.1: 95,289 of 341,188 alleles (28%); highest among the groups gnomAD compares: African/African-American, 36%; 14,422 homozygotes.

Submissions (2):

Illumina Laboratory Services, Illumina
Classification: Benign for Leukoencephalopathy with vanishing white matter 1. Last evaluated: 2018-01-12. Review status: criteria provided, single submitter. Criteria: ICSL Variant Classification Criteria 13 December 2019. Collection method: clinical testing. Allele origin: germline.
Comment: This variant was observed in the ICSL laboratory as part of a predisposition screen in an ostensibly healthy population. It had not been previously curated by ICSL or reported in the Human Gene Mutation Database (HGMD: prior to June 1st, 2018), and was therefore a candidate for classification through an automated scoring system. Utilizing variant allele frequency, disease prevalence and penetrance estimates, and inheritance mode, an automated score was calculated to assess if this variant is too frequent to cause the disease. Based on the score and internal cut-off values, a variant classified as benign is not then subjected to further curation. The score for this variant resulted in a classification of benign for this disease.

Breakthrough Genomics
Classification: Benign. Review status: criteria provided, single submitter. Criteria: ACMG Guidelines, 2015. Collection method: not provided. Allele origin: germline. Inheritance: Autosomal recessive inheritance. Affected: yes.